The following is an entry in ClinVar:

ClinVar aggregate classification (germline): Uncertain significance (1 of 4 stars; one submission).

gnomAD v4.1: 9 of 1,597,856 alleles (0.00056%); highest among the groups gnomAD compares: African/African-American, 0.0094%; no homozygotes.

Submission:

GeneDx
Classification: Uncertain significance. Last evaluated: 2024-11-25. Review status: criteria provided, single submitter. Criteria: GeneDx Variant Classification Process June 2021. Collection method: clinical testing. Allele origin: germline. Affected: yes.
Comment: In silico analysis supports that this missense variant has a deleterious effect on protein structure/function; Has not been previously published as pathogenic or benign to our knowledge

NM_001378609.3(OTOGL):c.4268A>T (p.Tyr1423Phe)

Gene: OTOGL (otogelin like; plus strand). Cytogenetic location: 12q21.31.
Variant type: single nucleotide variant.
Coding change: c.4268A>T on transcript NM_001378609.3 (MANE Select); coding-DNA position 4268, A replaced by T.
Protein change: p.Tyr1423Phe; replaces tyrosine 1423 with phenylalanine.
Molecular consequence: missense variant.
Genome position (GRCh38, 1-based): chr12:80,328,733, A>T. VCF-style: chr12-80328733-A-T. GRCh37 (hg19) VCF-style: chr12-80722513-A-T.
Other names: c.4133A>T, p.Tyr1378Phe (NM_001368062.3); c.4268A>T, p.Tyr1423Phe (NM_001378610.3, NM_173591.7); short protein forms Y1378F, Y1423F.
Identifiers: ClinVar variation 3900263 (VCV003900263.1).